The following is an entry in ClinVar:

NM_000350.3(ABCA4):c.5867_5870del (p.Asp1956fs)

Gene: ABCA4 (ATP binding cassette subfamily A member 4; minus strand). Cytogenetic location: 1p22.1.
Variant type: Deletion.
Coding change: c.5867_5870del on transcript NM_000350.3 (MANE Select); coding-DNA positions 5867 to 5870, 4 bases deleted (ACAG; older notation c.5867_5870delACAG).
Protein change: p.Asp1956fs; shifts the reading frame from aspartic acid 1956.
Molecular consequence: frameshift variant.
Genome position (GRCh38, 1-based): chr1:94,008,263-94,008,266, CTGT deleted on the plus strand (ACAG on the coding strand, the reverse complement: ABCA4 is on the minus strand); deleting any 4 consecutive bases within chr1:94,008,263-94,008,267 gives the same sequence; the c. name uses the placement nearest the transcript's 3' end. VCF-style (leftmost placement, unchanged base first): chr1-94008262-CCTGT-C. GRCh37 (hg19) VCF-style: chr1-94473818-CCTGT-C.
Other names: c.5644_5647delGACA, p.Asp1882Glyfs (NM_001425324.1); short protein forms D1956fs.
Identifiers: ClinVar variation 431799 (VCV000431799.2), dbSNP rs1553187228, ClinGen allele CA645372342.
Genomic context (GRCh38, chr1:94,008,262, plus strand): 5'-AAGCCTTTCACACGTGGTCTGCAGAGTACCCACCTCTCCAGGGCGAACTCCGACACACAG[CCTGT>C]CCACTGCTGGGCTGGAGGTGCCTGGATAAATCTGCAAGATACGAAGAAACCGGACTGAGA-3'

ClinVar aggregate classification (germline): Pathogenic (1 of 4 stars; one submission).

Submission:

GeneDx
Classification: Pathogenic. Last evaluated: 2016-05-12. Review status: criteria provided, single submitter. Criteria: GeneDx Variant Classification (06012015). Collection method: clinical testing. Allele origin: germline. Affected: yes.
Comment: The c.5867_5870delACAG deletion in the ABCA4 gene causes a frameshift starting with codon Aspartic Acid 1956, changes this amino acid to an Glycine residue and creates a premature Stop codon at position 17 of the new reading frame, denoted p.Asp1956GlyfsX17. This deletion is predicted to cause loss of normal protein function either through protein truncation or nonsense-mediated mRNA decay. Although this variant has not been previously reported to our knowledge, we interpret it as pathogenic.